The following is an entry in ClinVar:

NM_001844.5(COL2A1):c.2837T>C (p.Leu946Pro)

Gene: COL2A1 (collagen type II alpha 1 chain; minus strand). Cytogenetic location: 12q13.11.
Variant type: single nucleotide variant.
Coding change: c.2837T>C on transcript NM_001844.5 (MANE Select); coding-DNA position 2837, T replaced by C.
Protein change: p.Leu946Pro; replaces leucine 946 with proline.
Molecular consequence: missense variant.
Genome position (GRCh38, 1-based): chr12:47,978,655, A>G on the plus strand (T>C on the coding strand, the complement: COL2A1 is on the minus strand). VCF-style: chr12-47978655-A-G. GRCh37 (hg19) VCF-style: chr12-48372438-A-G.
Other names: c.2630T>C, p.Leu877Pro (NM_033150.3); short protein forms L946P, L877P.
Identifiers: ClinVar variation 1505914 (VCV001505914.8), dbSNP rs2136528046, ClinGen allele CA384542078.
Genomic context (GRCh38, chr12:47,978,655, plus strand): 5'-ACAGAGGGACCGTCATCTCCAGGCTCTCCCTTCTCGCCAGGGGGTCCAGCAGGACCTTGG[A>G]GGCCGGGTTCACCAGCTCGGCCAGGGGGGCCGCTGTCTCCTCGAGCACCTTTGGGACCAT-3'
Protein context (NP_001835.3, residues 936-956): GPPGRAGEPG[Leu946Pro]QGPAGPPGEK

ClinVar aggregate classification (germline): Uncertain significance (1 of 4 stars; one submission).

Submission:

Labcorp Genetics (formerly Invitae), Labcorp
Classification: Uncertain significance. Last evaluated: 2021-05-16. Review status: criteria provided, single submitter. Criteria: Invitae Variant Classification Sherloc (09022015). Collection method: clinical testing. Allele origin: germline.
Comment: In summary, the available evidence is currently insufficient to determine the role of this variant in disease. Therefore, it has been classified as a Variant of Uncertain Significance. Advanced modeling of protein sequence and biophysical properties (such as structural, functional, and spatial information, amino acid conservation, physicochemical variation, residue mobility, and thermodynamic stability) performed at Invitae indicates that this missense variant is not expected to disrupt COL2A1 protein function. This variant has not been reported in the literature in individuals with COL2A1-related conditions. This variant is not present in population databases (ExAC no frequency). This sequence change replaces leucine with proline at codon 946 of the COL2A1 protein (p.Leu946Pro). The leucine residue is highly conserved and there is a moderate physicochemical difference between leucine and proline.